The following is an entry in ClinVar:

NM_024700.4(SNIP1):c.364C>T (p.Arg122Trp)

Genes: SNIP1 (Smad nuclear interacting protein 1; minus strand), LOC126805704 (BRD4-independent group 4 enhancer GRCh37_chr1:38005292-38006491; plus strand). Cytogenetic location: 1p34.3.
Variant type: single nucleotide variant.
Coding change: c.364C>T on transcript NM_024700.4 (MANE Select); coding-DNA position 364, C replaced by T.
Protein change: p.Arg122Trp; replaces arginine 122 with tryptophan.
Molecular consequence: missense variant.
Genome position (GRCh38, 1-based): chr1:37,540,719, G>A on the plus strand (C>T on the coding strand, the complement: SNIP1 is on the minus strand). VCF-style: chr1-37540719-G-A. GRCh37 (hg19) VCF-style: chr1-38006320-G-A.
Other names: short protein forms R122W.
Identifiers: ClinVar variation 1446863 (VCV001446863.6), dbSNP rs370698062, ClinGen allele CA339452874.

ClinVar aggregate classification (germline): Uncertain significance (1 of 4 stars; one submission).

gnomAD v4.1: 2 of 1,612,250 alleles (0.00012%); highest among the groups gnomAD compares: African/African-American, 0.0013%; no homozygotes.

Submission:

Labcorp Genetics (formerly Invitae), Labcorp
Classification: Uncertain significance. Last evaluated: 2023-04-14. Review status: criteria provided, single submitter. Criteria: Invitae Variant Classification Sherloc (09022015). Collection method: clinical testing. Allele origin: germline.
Comment: In summary, the available evidence is currently insufficient to determine the role of this variant in disease. Therefore, it has been classified as a Variant of Uncertain Significance. Advanced modeling of protein sequence and biophysical properties (such as structural, functional, and spatial information, amino acid conservation, physicochemical variation, residue mobility, and thermodynamic stability) has been performed at Invitae for this missense variant, however the output from this modeling did not meet the statistical confidence thresholds required to predict the impact of this variant on SNIP1 protein function. ClinVar contains an entry for this variant (Variation ID: 1446863). This variant has not been reported in the literature in individuals affected with SNIP1-related conditions. This variant is present in population databases (no rsID available, gnomAD 0.01%). This sequence change replaces arginine, which is basic and polar, with tryptophan, which is neutral and slightly polar, at codon 122 of the SNIP1 protein (p.Arg122Trp).